The following is an entry in ClinVar:

NM_030787.4(CFHR5):c.880G>A (p.Glu294Lys)

Gene: CFHR5 (complement factor H related 5; plus strand). Cytogenetic location: 1q31.3.
Variant type: single nucleotide variant.
Coding change: c.880G>A on transcript NM_030787.4 (MANE Select); coding-DNA position 880, G replaced by A.
Protein change: p.Glu294Lys; replaces glutamic acid 294 with lysine.
Molecular consequence: missense variant.
Genome position (GRCh38, 1-based): chr1:196,996,111, G>A. VCF-style: chr1-196996111-G-A. GRCh37 (hg19) VCF-style: chr1-196965241-G-A.
Other names: p.Glu294Lys; short protein forms E294K.
Identifiers: ClinVar variation 294547 (VCV000294547.15), dbSNP rs201084185, ClinGen allele CA1307903.

ClinVar aggregate classification (germline): Conflicting classifications of pathogenicity. Review status: criteria provided, conflicting classifications (1 of 4 stars). 9 submissions from 9 submitters: Uncertain significance (4); Likely benign (3). 2 of the submissions do not count toward it. Last evaluated 2025-11-12.

Conditions:
C3 glomerulonephritis. Also called: Nephropathy due to CFHR5 Deficiency; C3 GLOMERULOPATHY 3. Identifiers: Orphanet 329931, MedGen C4055342, MONDO:0013892, OMIM 614809.
Inborn genetic diseases. Identifiers: MedGen C0950123, MeSH D030342.
CFHR5 deficiency. Identifiers: MedGen C3553720.
CFH-Related Dense Deposit Disease / Membranoproliferative Glomerulonephritis Type II. Identifiers: MedGen CN071292.

Allele frequency attached by ClinVar (database versions not stated): TOPMed 0.00014; gnomAD 0.00017 and 0.00019; ESP Exome Variant Server 0.00023.
gnomAD v4.1: 244 of 1,613,232 alleles (0.015%); highest among the groups gnomAD compares: Middle Eastern, 0.016%; no homozygotes.

Submissions (9):

Mayo Clinic Laboratories, Mayo Clinic
Classification: Likely benign. Last evaluated: 2025-11-12. Review status: criteria provided, single submitter. Criteria: ACMG Guidelines, 2015. Collection method: clinical testing. Allele origin: germline. Observed: 1 variant allele.
Comment: BP1, BP4

Labcorp Genetics (formerly Invitae), Labcorp
Classification: Likely benign. Last evaluated: 2025-03-17. Review status: criteria provided, single submitter. Criteria: Invitae Variant Classification Sherloc (09022015). Collection method: clinical testing. Allele origin: germline.

Fulgent Genetics
Classification: Likely benign for C3 glomerulonephritis. Last evaluated: 2024-01-25. Review status: criteria provided, single submitter. Criteria: ACMG Guidelines, 2015. Collection method: clinical testing. Allele origin: germline.

Genome-Nilou Lab
Classification: Uncertain significance for C3 glomerulonephritis. Last evaluated: 2023-04-11. Review status: criteria provided, single submitter. Criteria: ACMG Guidelines, 2015. Collection method: clinical testing. Allele origin: germline. Affected: no.

Ambry Genetics
Classification: Uncertain significance for Inborn genetic diseases. Last evaluated: 2023-02-28. Review status: criteria provided, single submitter. Criteria: Ambry Variant Classification Scheme 2023. Collection method: clinical testing. Allele origin: germline.

Baylor Genetics
Classification: Uncertain significance for C3 glomerulonephritis. Last evaluated: 2020-06-10. Review status: criteria provided, single submitter. Criteria: ACMG Guidelines, 2015. Collection method: clinical testing. Allele origin: unknown. Affected: yes.
Comment: This variant was determined to be of uncertain significance according to ACMG Guidelines, 2015 [PMID:25741868].

Illumina Laboratory Services, Illumina
Classification: Uncertain significance for Membranoproliferative glomerulonephritis with complement factor h deficiency. Last evaluated: 2018-01-13. Review status: criteria provided, single submitter. Criteria: ICSL Variant Classification Criteria 13 December 2019. Collection method: clinical testing. Allele origin: germline.

Clinical Genetics DNA and cytogenetics Diagnostics Lab, Erasmus MC, Erasmus Medical Center
Classification: Likely benign. Review status: no assertion criteria provided. Collection method: clinical testing. Allele origin: germline. Affected: yes. Study: VKGL Data-share Consensus. Not counted in ClinVar's aggregate classification.

Genome Diagnostics Laboratory, University Medical Center Utrecht
Classification: Likely benign. Review status: no assertion criteria provided. Collection method: clinical testing. Allele origin: germline. Affected: yes. Study: VKGL Data-share Consensus. Not counted in ClinVar's aggregate classification.